The following is an entry in ClinVar:

ClinVar aggregate classification (germline): Uncertain significance. Review status: criteria provided, multiple submitters, no conflicts (2 of 4 stars). 3 submissions from 3 submitters: Uncertain significance (3). Last evaluated 2025-10-07.

Conditions:
MYO15A-related disorder. Also called: MYO15A-related condition.
Inborn genetic diseases. Identifiers: MedGen C0950123, MeSH D030342.

Allele frequency attached by ClinVar (database versions not stated): ExAC 0.00003; gnomAD exomes 0.00003 and 0.00011; TOPMed 0.00003; gnomAD 0.00006.
gnomAD v4.1: 169 of 1,613,980 alleles (0.01%); highest among the groups gnomAD compares: Non-Finnish European, 0.014%; no homozygotes.

Submissions (3):

PreventionGenetics, part of Exact Sciences
Classification: Uncertain significance for MYO15A-related condition. Last evaluated: 2025-10-07. Review status: criteria provided, single submitter. Criteria: ACMG Guidelines, 2015. Collection method: clinical testing. Allele origin: germline.
Comment: The MYO15A c.9539A>G variant is predicted to result in the amino acid substitution p.Gln3180Arg. To our knowledge, this variant has not been reported in the literature. This variant is reported in 0.0055% of alleles in individuals of European (Non-Finnish) descent in gnomAD. At this time, the clinical significance of this variant is uncertain due to the absence of conclusive functional and genetic evidence.

Ambry Genetics
Classification: Uncertain significance for Inborn genetic diseases. Last evaluated: 2025-04-02. Review status: criteria provided, single submitter. Criteria: Ambry Variant Classification Scheme 2023. Collection method: clinical testing. Allele origin: germline.

Eurofins Ntd Llc (ga)
Classification: Uncertain significance. Last evaluated: 2017-08-17. Review status: criteria provided, single submitter. Criteria: EGL Classification Definitions 2015. Collection method: clinical testing. Allele origin: germline. Observed: 1 variant allele, 1 heterozygote.

NM_016239.4(MYO15A):c.9539A>G (p.Gln3180Arg)

Gene: MYO15A (myosin XVA; plus strand). Cytogenetic location: 17p11.2.
Variant type: single nucleotide variant.
Coding change: c.9539A>G on transcript NM_016239.4 (MANE Select); coding-DNA position 9539, A replaced by G.
Protein change: p.Gln3180Arg; replaces glutamine 3180 with arginine.
Molecular consequence: missense variant.
Genome position (GRCh38, 1-based): chr17:18,162,606, A>G. VCF-style: chr17-18162606-A-G. GRCh37 (hg19) VCF-style: chr17-18065920-A-G.
Other names: c.9539A>G (NM_016239.3); short protein forms Q3180R.
Identifiers: ClinVar variation 593398 (VCV000593398.7), dbSNP rs771508906, ClinGen allele CA8425593.